The following is an entry in ClinVar:

NM_018116.4(MSTO1):c.779C>T (p.Thr260Ile)

Gene: MSTO1 (misato mitochondrial distribution and morphology regulator 1; plus strand). Cytogenetic location: 1q22.
Variant type: single nucleotide variant.
Coding change: c.779C>T on transcript NM_018116.4 (MANE Select); coding-DNA position 779, C replaced by T.
Protein change: p.Thr260Ile; replaces threonine 260 with isoleucine.
Molecular consequence: missense variant. On other transcripts: non-coding transcript variant (6).
Genome position (GRCh38, 1-based): chr1:155,612,282, C>T. VCF-style: chr1-155612282-C-T. GRCh37 (hg19) VCF-style: chr1-155582073-C-T.
Other names: c.779C>T, p.Thr260Ile (NM_001256532.1, NM_001256533.1, NM_001350772.1 and 3 more transcripts); c.614C>T, p.Thr205Ile (NM_001350776.1); c.248C>T, p.Thr83Ile (NM_001350777.1, NM_001350778.1, NM_001350779.1); c.245C>T, p.Thr82Ile (NM_001350780.1, NM_001350781.1, NM_001350782.1 and 3 more transcripts); c.236C>T, p.Thr79Ile (NM_001350784.1, NM_001350785.1, NM_001350787.1 and 1 more transcripts); short protein forms T205I, T260I, T79I, T82I, T83I.
Identifiers: ClinVar variation 4855272 (VCV004855272.1).
Genomic context (GRCh38, chr1:155,612,282, plus strand): 5'-GGGTAGGCGCGAAGGCGGCAGAGCTGCTACAAGATGAATATTCAGGGCGGGGAATAATAA[C>T]CTGGGGCCTGCTACCTGGTCCCTACCATCGTGGGGTGAGTGGAACTTAGAGAAGTAAACA-3'
Protein context (NP_060586.2, residues 250-270): QDEYSGRGII[Thr260Ile]WGLLPGPYHR

ClinVar aggregate classification (germline): Uncertain significance (1 of 4 stars; one submission).

Conditions:
Mitochondrial myopathy-cerebellar ataxia-pigmentary retinopathy syndrome. Also called: MYOPATHY, MITOCHONDRIAL, AND ATAXIA. Identifiers: Orphanet 502423, MedGen C4540096, MONDO:0044714, OMIM 617675.

Submission:

3billion
Classification: Uncertain significance for Mitochondrial myopathy-cerebellar ataxia-pigmentary retinopathy syndrome. Last evaluated: 2025-06-30. Review status: criteria provided, single submitter. Criteria: ACMG Guidelines, 2015. Collection method: clinical testing. Allele origin: germline. Affected: yes.
Comment: The variant is not observed in the gnomAD v4.1.0 dataset. Predicted Consequence/Location: Missense variant In silico tool predictions suggest no damaging effect of the variant on gene or gene product [REVEL: 0.18 (<0.4); 3Cnet: 0.09 (<0.1, specificity 0.84 and negative predicitive value 0.97)]. Therefore, this variant is classified as VUS according to the recommendation of ACMG/AMP guideline.